The following is an entry in ClinVar:

NM_005909.5(MAP1B):c.4802T>G (p.Phe1601Cys)

Gene: MAP1B (microtubule associated protein 1B; plus strand). Cytogenetic location: 5q13.2.
Variant type: single nucleotide variant.
Coding change: c.4802T>G on transcript NM_005909.5 (MANE Select); coding-DNA position 4802, T replaced by G.
Protein change: p.Phe1601Cys; replaces phenylalanine 1601 with cysteine.
Molecular consequence: missense variant.
Genome position (GRCh38, 1-based): chr5:72,198,157, T>G. VCF-style: chr5-72198157-T-G. GRCh37 (hg19) VCF-style: chr5-71493984-T-G.
Other names: c.4802T>G (NM_005909.4); c.4424T>G, p.Phe1475Cys (NM_001324255.2); short protein forms F1475C, F1601C.
Identifiers: ClinVar variation 4051100 (VCV004051100.2).
Genomic context (GRCh38, chr5:72,198,157, plus strand): 5'-CACATTCCACAGAAGTAGATGACTCCCTTTCAGTGTCTGTTGTGCAAACACCTACCACAT[T>G]CCAGGAAACAGAAATGTCTCCATCTAAAGAAGAATGCCCAAGACCGATGTCAATTTCTCC-3'
Protein context (NP_005900.2, residues 1591-1611): SVSVVQTPTT[Phe1601Cys]QETEMSPSKE

ClinVar aggregate classification (germline): Uncertain significance. Review status: criteria provided, multiple submitters, no conflicts (2 of 4 stars). 2 submissions from 2 submitters: Uncertain significance (2). Last evaluated 2025-05-13.

Conditions:
MAP1B-related disorder. Also called: MAP1B-related condition.
Inborn genetic diseases. Identifiers: MedGen C0950123, MeSH D030342.

gnomAD v4.1: 17 of 1,614,144 alleles (0.0011%); highest among the groups gnomAD compares: South Asian, 0.016%; no homozygotes.

Submissions (2):

Ambry Genetics
Classification: Uncertain significance for Inborn genetic diseases. Last evaluated: 2025-05-13. Review status: criteria provided, single submitter. Criteria: Ambry Variant Classification Scheme 2023. Collection method: clinical testing. Allele origin: germline.

PreventionGenetics, part of Exact Sciences
Classification: Uncertain significance for MAP1B-related condition. Last evaluated: 2024-11-20. Review status: criteria provided, single submitter. Criteria: ACMG Guidelines, 2015. Collection method: clinical testing. Allele origin: germline.
Comment: The MAP1B c.4802T>G variant is predicted to result in the amino acid substitution p.Phe1601Cys. To our knowledge, this variant has not been reported in the literature. This variant is reported in 0.016% of alleles in individuals of South Asian descent in gnomAD. At this time, the clinical significance of this variant is uncertain due to the absence of conclusive functional and genetic evidence.